The following is an entry in ClinVar:

NM_020975.6(RET):c.3169A>T (p.Ile1057Phe)

Gene: RET (ret proto-oncogene; plus strand). Cytogenetic location: 10q11.21.
Variant type: single nucleotide variant.
Coding change: c.3169A>T on transcript NM_020975.6 (MANE Select); coding-DNA position 3169, A replaced by T.
Protein change: p.Ile1057Phe; replaces isoleucine 1057 with phenylalanine.
Molecular consequence: missense variant. On other transcripts: intron variant (4).
Genome position (GRCh38, 1-based): chr10:43,126,704, A>T. VCF-style: chr10-43126704-A-T. GRCh37 (hg19) VCF-style: chr10-43622152-A-T.
Other names: c.3127+42A>T (NM_001406759.1, NM_001406760.1); c.2401+42A>T (NM_001406777.1); c.1678+42A>T (NM_001406793.1); c.1984A>T, p.Ile662Phe (NM_001406790.1, NM_001406788.1, NM_001406789.1); c.1864A>T, p.Ile622Phe (NM_001406791.1); c.1720A>T, p.Ile574Phe (NM_001406792.1, NM_001406794.1); c.3169A>T, p.Ile1057Phe (NM_020629.2, NM_020630.7, NM_000323.2 and 2 more transcripts); c.2407A>T, p.Ile803Phe (NM_001355216.2); and 13 more; short protein forms I574F, I713F, I718F, I803F, I815F, I1012F, I622F, I727F.
Identifiers: ClinVar variation 3001259 (VCV003001259.4), dbSNP rs750501039, ClinGen allele CA376558529.

ClinVar aggregate classification (germline): Uncertain significance. Review status: criteria provided, multiple submitters, no conflicts (2 of 4 stars). 2 submissions from 2 submitters: Uncertain significance (2). Last evaluated 2026-05-27.

Conditions:
Hereditary cancer-predisposing syndrome. Also called: Hereditary neoplastic syndrome; Neoplastic Syndromes, Hereditary; Tumor predisposition; Hereditary Cancer Syndrome. Identifiers: Orphanet 140162, MedGen C0027672, MeSH D009386, MONDO:0015356.
Multiple endocrine neoplasia, type 2 (MEN2). Identifiers: Orphanet 653, MedGen C4048306, MONDO:0019003. Disease mechanism: gain of function.

Allele frequency attached by ClinVar (database versions not stated): gnomAD exomes below 0.00001.

Submissions (2):

Ambry Genetics
Classification: Uncertain significance for Hereditary cancer-predisposing syndrome. Last evaluated: 2026-05-27. Review status: criteria provided, single submitter. Criteria: Ambry Variant Classification Scheme 2023. Collection method: clinical testing. Allele origin: germline.
Comment: The p.I1057F variant (also known as c.3169A>T), located in coding exon 19 of the RET gene, results from an A to T substitution at nucleotide position 3169. The isoleucine at codon 1057 is replaced by phenylalanine, an amino acid with highly similar properties. This amino acid position is conserved. In addition, this alteration is predicted to be deleterious by in silico analysis. Based on the available evidence, the clinical significance of this variant remains unclear.

Labcorp Genetics (formerly Invitae), Labcorp
Classification: Uncertain significance for Multiple endocrine neoplasia, type 2. Last evaluated: 2024-11-26. Review status: criteria provided, single submitter. Criteria: Invitae Variant Classification Sherloc (09022015). Collection method: clinical testing. Allele origin: germline.
Comment: This sequence change replaces isoleucine, which is neutral and non-polar, with phenylalanine, which is neutral and non-polar, at codon 1057 of the RET protein (p.Ile1057Phe). This variant is not present in population databases (gnomAD no frequency). This variant has not been reported in the literature in individuals affected with RET-related conditions. ClinVar contains an entry for this variant (Variation ID: 3001259). An algorithm developed to predict the effect of missense changes on protein structure and function (PolyPhen-2) suggests that this variant is likely to be tolerated. Algorithms developed to predict the effect of sequence changes on RNA splicing suggest that this variant may disrupt the consensus splice site. In summary, the available evidence is currently insufficient to determine the role of this variant in disease. Therefore, it has been classified as a Variant of Uncertain Significance.